The following is an entry in ClinVar:

ClinVar aggregate classification (germline): Likely benign (1 of 4 stars; one submission).

Submission:

GeneDx
Classification: Likely benign. Last evaluated: 2015-11-30. Review status: criteria provided, single submitter. Criteria: GeneDx Variant Classification (06012015). Collection method: clinical testing. Allele origin: germline. Affected: yes.
Comment: This variant is considered likely benign or benign based on one or more of the following criteria: it is a conservative change, it occurs at a poorly conserved position in the protein, it is predicted to be benign by multiple in silico algorithms, and/or has population frequency not consistent with disease.

NM_004415.4(DSP):c.2298-16C>T

Gene: DSP (desmoplakin; plus strand). Cytogenetic location: 6p24.3.
Variant type: single nucleotide variant.
Coding change: c.2298-16C>T on transcript NM_004415.4 (MANE Select); 16 bases into the intron before coding-DNA position 2298, C replaced by T.
Molecular consequence: intron variant.
Genome position (GRCh38, 1-based): chr6:7,574,641, C>T. VCF-style: chr6-7574641-C-T. GRCh37 (hg19) VCF-style: chr6-7574874-C-T.
Other names: c.2298-16C>T (LRG_423t1, NM_001319034.2, NM_001008844.3).
Identifiers: ClinVar variation 381917 (VCV000381917.1), dbSNP rs1057521206, ClinGen allele CA16605582.